The following is an entry in ClinVar:

ClinVar aggregate classification (germline): Conflicting classifications of pathogenicity. Review status: criteria provided, conflicting classifications (1 of 4 stars). 3 submissions from 3 submitters: Uncertain significance (1); Likely benign (2). Last evaluated 2025-09-20.

Conditions:
Tuberous sclerosis 2 (TSC2). Identifiers: Orphanet 805, MedGen C1860707, MONDO:0013199, OMIM 613254.
Tuberous sclerosis syndrome (TSC). Also called: Tuberous Sclerosis Complex; Tuberous sclerosis. Identifiers: Orphanet 805, MedGen C0041341, MONDO:0001734.

Submissions (3):

Labcorp Genetics (formerly Invitae), Labcorp
Classification: Likely benign for Tuberous sclerosis 2. Last evaluated: 2025-09-20. Review status: criteria provided, single submitter. Criteria: Invitae Variant Classification Sherloc (09022015). Collection method: clinical testing. Allele origin: germline.

All of Us Research Program, National Institutes of Health
Classification: Likely benign for Tuberous sclerosis syndrome. Last evaluated: 2023-10-27. Review status: criteria provided, single submitter. Criteria: ACMG Guidelines, 2015. Collection method: clinical testing. Allele origin: germline. Inheritance: Autosomal dominant inheritance. Observed: 1 variant allele, 1 heterozygote.
Comment: This study involves interpretation of variants in research participants for the purpose of population health screening. Participant phenotype was not available at the time of variant classification. Additional details can be found in publication PMID: 35346344, PMCID: PMC8962531

CeGaT Center for Human Genetics Tuebingen
Classification: Uncertain significance. Last evaluated: 2022-07-01. Review status: criteria provided, single submitter. Criteria: CeGaT Center For Human Genetics Tuebingen Variant Classification Criteria Version 2. Collection method: clinical testing. Allele origin: germline. Affected: yes. Observed: 1 variant allele.
Comment: TSC2: PM2:Supporting, BP4

NM_000548.5(TSC2):c.2649G>A (p.Gln883=)

Gene: TSC2 (TSC complex subunit 2; plus strand). Cytogenetic location: 16p13.3.
Variant type: single nucleotide variant.
Coding change: c.2649G>A on transcript NM_000548.5 (MANE Select); coding-DNA position 2649, G replaced by A.
Protein change: p.Gln883=; no amino-acid change (glutamine 883 retained).
Molecular consequence: synonymous variant. On other transcripts: non-coding transcript variant (5).
Genome position (GRCh38, 1-based): chr16:2,076,077, G>A. VCF-style: chr16-2076077-G-A. GRCh37 (hg19) VCF-style: chr16-2126078-G-A.
Other names: c.2649G>A, p.Gln883= (NM_001077183.3, NM_001114382.3, NM_001363528.2 and 6 more transcripts); c.2538G>A, p.Gln846= (NM_001318827.2, NM_001406670.1, NM_001406678.1); c.2502G>A, p.Gln834= (NM_001318829.2, NM_001406675.1, NM_001406676.1 and 1 more transcripts); c.2049G>A, p.Gln683= (NM_001318831.2, NM_001406680.1, NM_001406682.1 and 6 more transcripts); c.2682G>A, p.Gln894= (NM_001318832.2); c.2739G>A, p.Gln913= (NM_001406667.1, NM_001406668.1); c.2637G>A, p.Gln879= (NM_001406671.1, NM_001406673.1); c.2592G>A, p.Gln864= (NM_001406677.1); and 3 more.
Identifiers: ClinVar variation 1897428 (VCV001897428.30), dbSNP rs2151386276, ClinGen allele CA492953640.